The following is an entry in ClinVar:

NM_014329.5(EDC4):c.823A>G (p.Ser275Gly)

Gene: EDC4 (enhancer of mRNA decapping 4; plus strand). Cytogenetic location: 16q22.1.
Variant type: single nucleotide variant.
Coding change: c.823A>G on transcript NM_014329.5 (MANE Select); coding-DNA position 823, A replaced by G.
Protein change: p.Ser275Gly; replaces serine 275 with glycine.
Molecular consequence: missense variant.
Genome position (GRCh38, 1-based): chr16:67,877,774, A>G. VCF-style: chr16-67877774-A-G. GRCh37 (hg19) VCF-style: chr16-67911677-A-G.
Other names: c.823A>G, p.Ser275Gly (NM_001427345.1); short protein forms S275G.
Identifiers: ClinVar variation 3250534 (VCV003250534.18), dbSNP rs111231628.

ClinVar aggregate classification (germline): Likely benign (1 of 4 stars; one submission).

Allele frequency attached by ClinVar (database versions not stated): 1000 Genomes Project 0.00100; 1000 Genomes Project 30x 0.00125; ExAC 0.00160; gnomAD 0.00198; TOPMed 0.00213; ESP Exome Variant Server 0.00269; gnomAD exomes 0.00278.
gnomAD v4.1: 4,371 of 1,614,182 alleles (0.27%); highest among the groups gnomAD compares: Non-Finnish European, 0.33%; 13 homozygotes.

Submission:

CeGaT Center for Human Genetics Tuebingen
Classification: Likely benign. Last evaluated: 2024-06-01. Review status: criteria provided, single submitter. Criteria: CeGaT Center For Human Genetics Tuebingen Variant Classification Criteria Version 2. Collection method: clinical testing. Allele origin: germline. Affected: yes. Observed: 1 variant allele.
Comment: EDC4: BP4